The following is an entry in ClinVar:

NM_003470.3(USP7):c.1840-4T>C

Gene: USP7 (ubiquitin specific peptidase 7; minus strand). Cytogenetic location: 16p13.2.
Variant type: single nucleotide variant.
Coding change: c.1840-4T>C on transcript NM_003470.3 (MANE Select); 4 bases into the intron before coding-DNA position 1840, T replaced by C.
Molecular consequence: intron variant.
Genome position (GRCh38, 1-based): chr16:8,902,486, A>G on the plus strand (T>C on the coding strand, the complement: USP7 is on the minus strand). VCF-style: chr16-8902486-A-G. GRCh37 (hg19) VCF-style: chr16-8996343-A-G.
Other names: c.1666-4T>C (NM_001321858.2); c.1792-4T>C (NM_001286457.2); c.1543-4T>C (NM_001286458.2).
Identifiers: ClinVar variation 4535308 (VCV004535308.6).
Genomic context (GRCh38, chr16:8,902,486, plus strand): 5'-TGTTCCATTACTCCTTGCTTGCATGGGCCACAATCGAATTTGATCTTGTGGAAATCCCTG[A>G]AAAAAATATTAAGAGTAGATTAAAATAAAAACACGCTCATATTTTAGTCCTCTATATTAC-3'

ClinVar aggregate classification (germline): Uncertain significance (1 of 4 stars; one submission).

Submission:

CeGaT Center for Human Genetics Tuebingen
Classification: Uncertain significance. Last evaluated: 2025-11-01. Review status: criteria provided, single submitter. Criteria: CeGaT Center For Human Genetics Tuebingen Variant Classification Criteria Version 2. Collection method: clinical testing. Allele origin: germline. Affected: yes. Observed: 1 variant allele.
Comment: USP7: PM2, BP4